The following is an entry in ClinVar:

ClinVar aggregate classification (germline): Likely pathogenic (1 of 4 stars; one submission).

Conditions:
Holoprosencephaly 10. Identifiers: MedGen C2675857, MONDO:0976262, OMIM 621143.

Submission:

First Genomix Gene Laboratory, Genetic Diagnostics Department
Classification: Likely pathogenic for Holoprosencephaly 10. Last evaluated: 2025-07-11. Review status: criteria provided, single submitter. Criteria: ACMG Guidelines, 2015. Collection method: clinical testing. Allele origin: germline. Inheritance: Autosomal recessive inheritance. Affected: no. Observed: 1 variant allele.

NM_001377229.1(DISP1):c.3765del (p.Glu1257fs)

Gene: DISP1 (dispatched RND transporter family member 1; plus strand). Cytogenetic location: 1q41.
Variant type: Deletion.
Coding change: c.3765del on transcript NM_001377229.1 (MANE Select); coding-DNA position 3765, one base deleted (T; older notation c.3765delT).
Protein change: p.Glu1257fs; shifts the reading frame from glutamic acid 1257.
Molecular consequence: frameshift variant.
Genome position (GRCh38, 1-based): chr1:223,005,162, T deleted. VCF-style (leftmost placement, unchanged base first): chr1-223005161-CT-C. GRCh37 (hg19) VCF-style: chr1-223178503-CT-C.
Other names: c.3036del, p.Glu1014fs (NM_001350630.2); c.3765del, p.Glu1257fs (NM_001369594.1, NM_001377228.1, NM_032890.5); c.3765delT (NM_032890.5); short protein forms E1014fs, E1257fs.
Identifiers: ClinVar variation 4849370 (VCV004849370.1).